The following is an entry in ClinVar:

ClinVar aggregate classification (germline): Uncertain significance. Review status: criteria provided, multiple submitters, no conflicts (2 of 4 stars). 3 submissions from 3 submitters: Uncertain significance (3). Last evaluated 2026-09-28.

Conditions:
Weill-Marchesani 4 syndrome, recessive. Also called: Weill-Marchesani syndrome 4. Identifiers: Orphanet 363992, MedGen C2750787, MONDO:0013176, OMIM 613195.

Allele frequency attached by ClinVar (database versions not stated): ExAC 0.00005; TOPMed 0.00006; gnomAD 0.00007; ESP Exome Variant Server 0.00015; 1000 Genomes Project 30x 0.00016; 1000 Genomes Project 0.00020.
gnomAD v4.1: 57 of 1,614,208 alleles (0.0035%); highest among the groups gnomAD compares: African/African-American, 0.008%; no homozygotes.

Submissions (3):

Department of Molecular Genetics, Istishari Arab Hospital
Classification: Uncertain significance for Weill-Marchesani 4 syndrome, recessive. Last evaluated: 2026-09-28. Review status: criteria provided, single submitter. Criteria: ACMG Guidelines, 2015. Collection method: clinical testing. Allele origin: germline. Inheritance: Autosomal recessive inheritance. Affected: yes.
Comment: The ADAMTS17 variant c.1397C>T, p.Pro466Leu causes an amino acid change from Pro to Leu at position 466. This variant is observed within the gnomAD v4.1.0 dataset <0.001, and to the best of our knowledge, it was not previously reported in the literature. It is classified as uncertain significance according to the recommendations of ACMG/AMP/ClinGen SVI guidelines.

Blueprint Genetics
Classification: Uncertain significance. Last evaluated: 2023-08-31. Review status: criteria provided, single submitter. Criteria: ACMG Guidelines, 2015. Collection method: clinical testing. Allele origin: germline.

Labcorp Genetics (formerly Invitae), Labcorp
Classification: Uncertain significance. Last evaluated: 2022-08-11. Review status: criteria provided, single submitter. Criteria: Invitae Variant Classification Sherloc (09022015). Collection method: clinical testing. Allele origin: germline.
Comment: This sequence change replaces proline, which is neutral and non-polar, with leucine, which is neutral and non-polar, at codon 466 of the ADAMTS17 protein (p.Pro466Leu). This variant is present in population databases (rs144488545, gnomAD 0.006%). This variant has not been reported in the literature in individuals affected with ADAMTS17-related conditions. Algorithms developed to predict the effect of missense changes on protein structure and function are either unavailable or do not agree on the potential impact of this missense change (SIFT: "Not Available"; PolyPhen-2: "Probably Damaging"; Align-GVGD: "Not Available"). In summary, the available evidence is currently insufficient to determine the role of this variant in disease. Therefore, it has been classified as a Variant of Uncertain Significance.

NM_139057.4(ADAMTS17):c.1397C>T (p.Pro466Leu)

Gene: ADAMTS17 (ADAM metallopeptidase with thrombospondin type 1 motif 17; minus strand). Cytogenetic location: 15q26.3.
Variant type: single nucleotide variant.
Coding change: c.1397C>T on transcript NM_139057.4 (MANE Select); coding-DNA position 1397, C replaced by T.
Protein change: p.Pro466Leu; replaces proline 466 with leucine.
Molecular consequence: missense variant.
Genome position (GRCh38, 1-based): chr15:100,152,688, G>A on the plus strand (C>T on the coding strand, the complement: ADAMTS17 is on the minus strand). VCF-style: chr15-100152688-G-A. GRCh37 (hg19) VCF-style: chr15-100692893-G-A.
Other names: p.Pro466Leu; short protein forms P466L.
Identifiers: ClinVar variation 1919339 (VCV001919339.4), dbSNP rs144488545, ClinGen allele CA7758259.